The following is an entry in ClinVar:

NM_053025.4(MYLK):c.389A>C (p.Gln130Pro)

Gene: MYLK (myosin light chain kinase; minus strand). Cytogenetic location: 3q21.1.
Variant type: single nucleotide variant.
Coding change: c.389A>C on transcript NM_053025.4 (MANE Select); coding-DNA position 389, A replaced by C.
Protein change: p.Gln130Pro; replaces glutamine 130 with proline.
Molecular consequence: missense variant. On other transcripts: 5 prime UTR variant (1).
Genome position (GRCh38, 1-based): chr3:123,739,986, T>G on the plus strand (A>C on the coding strand, the complement: MYLK is on the minus strand). VCF-style: chr3-123739986-T-G. GRCh37 (hg19) VCF-style: chr3-123458833-T-G.
Other names: c.-140A>C (NM_001321309.2); c.389A>C, p.Gln130Pro (NM_053026.4, NM_053027.4, NM_053028.4); short protein forms Q130P.
Identifiers: ClinVar variation 1735968 (VCV001735968.2), dbSNP rs2474635064, ClinGen allele CA354242155.

ClinVar aggregate classification (germline): Uncertain significance (1 of 4 stars; one submission).

Conditions:
Familial thoracic aortic aneurysm and aortic dissection (TAAD). Also called: Thoracic aortic aneurysms and dissections. Identifiers: Orphanet 91387, MedGen C4707243, MONDO:0019625.

Submission:

Ambry Genetics
Classification: Uncertain significance for Familial thoracic aortic aneurysm and aortic dissection. Last evaluated: 2021-06-25. Review status: criteria provided, single submitter. Criteria: Ambry Variant Classification Scheme 2023. Collection method: clinical testing. Allele origin: germline.
Comment: The p.Q130P variant (also known as c.389A>C), located in coding exon 3 of the MYLK gene, results from an A to C substitution at nucleotide position 389. The glutamine at codon 130 is replaced by proline, an amino acid with similar properties. This amino acid position is poorly conserved in available vertebrate species. In addition, this alteration is predicted to be tolerated by in silico analysis. Since supporting evidence is limited at this time, the clinical significance of this alteration remains unclear.